The following is an entry in ClinVar:

ClinVar aggregate classification (germline): Pathogenic/Likely pathogenic. Review status: criteria provided, multiple submitters, no conflicts (2 of 4 stars). 4 submissions from 4 submitters: Pathogenic (3); Likely pathogenic (1). Last evaluated 2025-10-31.

Conditions:
Hereditary cancer-predisposing syndrome. Also called: Hereditary Cancer Syndrome; Neoplastic Syndromes, Hereditary; Hereditary neoplastic syndrome; Tumor predisposition. Identifiers: Orphanet 140162, MedGen C0027672, MeSH D009386, MONDO:0015356.
Hereditary nonpolyposis colorectal neoplasms. Identifiers: MedGen C0009405, MeSH D003123.
Endometrial carcinoma. Also called: Endometrial carcinoma, somatic. Identifiers: MedGen C0476089, MONDO:0002447, OMIM 608089, HP:0012114.

Submissions (4):

Color Diagnostics, LLC DBA Color Health
Classification: Pathogenic for Hereditary cancer-predisposing syndrome. Last evaluated: 2025-10-31. Review status: criteria provided, single submitter. Criteria: ACMG Guidelines, 2015. Collection method: clinical testing. Allele origin: germline.
Comment: This variant inserts 4 nucleotides in exon 9 of the MSH6 gene, creating a frameshift and premature translation stop signal. This variant is expected to result in an absent or non-functional protein product. To our knowledge, this variant has not been reported in individuals affected with MSH6-related disorders in the literature. This variant has not been identified in the general population by the Genome Aggregation Database (gnomAD). Loss of MSH6 function is a known mechanism of disease. Based on the available evidence, this variant is classified as Pathogenic.

Ambry Genetics
Classification: Pathogenic for Hereditary cancer-predisposing syndrome. Last evaluated: 2022-12-08. Review status: criteria provided, single submitter. Criteria: Ambry Variant Classification Scheme 2023. Collection method: clinical testing. Allele origin: germline.
Comment: The c.3846_3849dupTATT pathogenic mutation, located in coding exon 9 of the MSH6 gene, results from a duplication of TATT at nucleotide position 3846, causing a translational frameshift with a predicted alternate stop codon (p.T1284Yfs*6). This variant is considered to be rare based on population cohorts in the Genome Aggregation Database (gnomAD). This alteration is expected to result in loss of function by premature protein truncation or nonsense-mediated mRNA decay. As such, this alteration is interpreted as a disease-causing mutation.

Labcorp Genetics (formerly Invitae), Labcorp
Classification: Pathogenic for Hereditary nonpolyposis colorectal neoplasms. Last evaluated: 2022-11-26. Review status: criteria provided, single submitter. Criteria: Invitae Variant Classification Sherloc (09022015). Collection method: clinical testing. Allele origin: germline.
Comment: This premature translational stop signal has been observed in individual(s) with clinical features of MSH6-related conditions (PMID: 21520333). ClinVar contains an entry for this variant (Variation ID: 428421). For these reasons, this variant has been classified as Pathogenic. This variant is not present in population databases (gnomAD no frequency). This sequence change creates a premature translational stop signal (p.Thr1284Tyrfs*6) in the MSH6 gene. It is expected to result in an absent or disrupted protein product. Loss-of-function variants in MSH6 are known to be pathogenic (PMID: 18269114, 24362816).

Baylor Genetics
Classification: Likely pathogenic for Endometrial carcinoma. Last evaluated: 2022-01-01. Review status: criteria provided, single submitter. Criteria: ACMG Guidelines, 2015. Collection method: clinical testing. Allele origin: unknown.

Literature cited by the submitters: PubMed 21520333 (cited by Labcorp Genetics (formerly Invitae), Labcorp); PubMed 18269114 (cited by Labcorp Genetics (formerly Invitae), Labcorp); PubMed 24362816 (cited by Labcorp Genetics (formerly Invitae), Labcorp).

NM_000179.3(MSH6):c.3846_3849dup (p.Thr1284fs)

Gene: MSH6 (mutS homolog 6; plus strand). Cytogenetic location: 2p16.3.
Variant type: Duplication.
Coding change: c.3846_3849dup on transcript NM_000179.3 (MANE Select); coding-DNA positions 3846 to 3849, 4 bases duplicated (TATT; older notation c.3846_3849dupTATT).
Protein change: p.Thr1284fs; shifts the reading frame from threonine 1284.
Molecular consequence: frameshift variant.
Genome position (GRCh38, 1-based): chr2:47,806,496-47,806,499, TATT duplicated. VCF-style (leftmost placement, unchanged base first): chr2-47806495-C-CTATT. GRCh37 (hg19) VCF-style: chr2-48033634-C-CTATT.
Other names: c.3456_3459dup, p.Thr1154fs (NM_001281492.2); c.2940_2943dup, p.Thr982fs (NM_001281493.2, NM_001281494.2); c.3846_3849dupTATT (NM_000179.2); short protein forms T1284fs, T1154fs, T982fs.
Identifiers: ClinVar variation 428421 (VCV000428421.17), dbSNP rs1114167783, ClinGen allele CA645369293.